The following is an entry in ClinVar:

ClinVar aggregate classification (germline): Conflicting classifications of pathogenicity. Review status: criteria provided, conflicting classifications (1 of 4 stars). 2 submissions from 2 submitters: Likely pathogenic (1); Uncertain significance (1). Last evaluated 2024-03-25.

Conditions:
Congenital bile acid synthesis defect 2 (CBAS2). Also called: CHOLESTASIS WITH DELTA(4)-3-OXOSTEROID 5-BETA-REDUCTASE DEFICIENCY. Identifiers: Orphanet 79303, MedGen C1856127, MONDO:0009339, OMIM 235555.

Allele frequency attached by ClinVar (database versions not stated): ExAC 0.00001; gnomAD 0.00001; gnomAD exomes 0.00001; TOPMed 0.00003.
gnomAD v4.1: 14 of 1,613,956 alleles (0.00087%); highest among the groups gnomAD compares: South Asian, 0.0033%; no homozygotes.

Submissions (2):

Genomic Medicine Center of Excellence, King Faisal Specialist Hospital and Research Centre
Classification: Likely pathogenic for Congenital bile acid synthesis defect 2. Last evaluated: 2024-03-25. Review status: criteria provided, single submitter. Criteria: ACMG Guidelines, 2015. Collection method: research. Allele origin: germline.

Baylor Genetics
Classification: Uncertain significance for Congenital bile acid synthesis defect 2. Last evaluated: 2020-09-23. Review status: criteria provided, single submitter. Criteria: ACMG Guidelines, 2015. Collection method: clinical testing. Allele origin: unknown. Affected: yes.
Comment: This variant was determined to be of uncertain significance according to ACMG Guidelines, 2015 [PMID:25741868].

NM_005989.4(AKR1D1):c.509A>G (p.Asn170Ser)

Gene: AKR1D1 (aldo-keto reductase family 1 member D1; plus strand). Cytogenetic location: 7q33.
Variant type: single nucleotide variant.
Coding change: c.509A>G on transcript NM_005989.4 (MANE Select); coding-DNA position 509, A replaced by G.
Protein change: p.Asn170Ser; replaces asparagine 170 with serine.
Molecular consequence: missense variant. On other transcripts: intron variant (1).
Genome position (GRCh38, 1-based): chr7:138,105,359, A>G. VCF-style: chr7-138105359-A-G. GRCh37 (hg19) VCF-style: chr7-137790105-A-G.
Other names: c.509A>G, p.Asn170Ser (NM_001190907.2); c.457-1249A>G (NM_001190906.2); short protein forms N170S.
Identifiers: ClinVar variation 1030985 (VCV001030985.3), dbSNP rs753124330, ClinGen allele CA4502708.